The following is an entry in ClinVar:

NM_032119.4(ADGRV1):c.14420A>G (p.His4807Arg)

Gene: ADGRV1 (adhesion G protein-coupled receptor V1; plus strand). Cytogenetic location: 5q14.3.
Variant type: single nucleotide variant.
Coding change: c.14420A>G on transcript NM_032119.4 (MANE Select); coding-DNA position 14420, A replaced by G.
Protein change: p.His4807Arg; replaces histidine 4807 with arginine.
Molecular consequence: missense variant. On other transcripts: non-coding transcript variant (1).
Genome position (GRCh38, 1-based): chr5:90,791,249, A>G. VCF-style: chr5-90791249-A-G. GRCh37 (hg19) VCF-style: chr5-90087066-A-G.
Other names: short protein forms H4807R.
Identifiers: ClinVar variation 1966180 (VCV001966180.2), dbSNP rs1159258277, ClinGen allele CA360401857.

ClinVar aggregate classification (germline): Uncertain significance (1 of 4 stars; one submission).

Submission:

Labcorp Genetics (formerly Invitae), Labcorp
Classification: Uncertain significance. Last evaluated: 2022-02-19. Review status: criteria provided, single submitter. Criteria: Invitae Variant Classification Sherloc (09022015). Collection method: clinical testing. Allele origin: germline.
Comment: This sequence change replaces histidine, which is basic and polar, with arginine, which is basic and polar, at codon 4807 of the ADGRV1 protein (p.His4807Arg). This variant is not present in population databases (gnomAD no frequency). This variant has not been reported in the literature in individuals affected with ADGRV1-related conditions. Algorithms developed to predict the effect of missense changes on protein structure and function output the following: SIFT: "Tolerated"; PolyPhen-2: "Benign"; Align-GVGD: "Class C0". The arginine amino acid residue is found in multiple mammalian species, which suggests that this missense change does not adversely affect protein function. In summary, the available evidence is currently insufficient to determine the role of this variant in disease. Therefore, it has been classified as a Variant of Uncertain Significance.